The following is an entry in ClinVar:

ClinVar aggregate classification (germline): Benign. Review status: criteria provided, multiple submitters, no conflicts (2 of 4 stars). 11 submissions from 11 submitters: Benign (8). 3 of the submissions do not count toward it. Last evaluated 2026-02-04.

Conditions:
Cardiovascular phenotype. Identifiers: MedGen CN230736.
ALPK3-related disorder. Also called: ALPK3-related condition.

Allele frequency attached by ClinVar (database versions not stated): gnomAD exomes 0.82205 and 0.82401; ExAC 0.82764; TOPMed 0.83185; gnomAD 0.83393 and 0.83408; ESP Exome Variant Server 0.83772; 1000 Genomes Project 30x 0.84275; 1000 Genomes Project 0.84784.
gnomAD v4.1: 1,327,201 of 1,611,784 alleles (82%); highest among the groups gnomAD compares: East Asian, 95%; 547,397 homozygotes.

Submissions (11):

Labcorp Genetics (formerly Invitae), Labcorp
Classification: Benign. Last evaluated: 2026-02-04. Review status: criteria provided, single submitter. Criteria: Invitae Variant Classification Sherloc (09022015). Collection method: clinical testing. Allele origin: germline.

Molecular Diagnostic Laboratory for Inherited Cardiovascular Disease, Montreal Heart Institute
Classification: Benign. Last evaluated: 2025-04-09. Review status: criteria provided, single submitter. Criteria: ACMG Guidelines, 2015. Collection method: clinical testing. Allele origin: germline. Affected: no.

Blueprint Genetics
Classification: Benign. Last evaluated: 2024-11-27. Review status: criteria provided, single submitter. Criteria: ACMG Guidelines, 2015. Collection method: clinical testing. Allele origin: germline.

Women's Health and Genetics/Laboratory Corporation of America, LabCorp
Classification: Benign. Last evaluated: 2023-04-04. Review status: criteria provided, single submitter. Criteria: LabCorp Variant Classification Summary - May 2015. Collection method: clinical testing. Allele origin: germline.

Mayo Clinic Laboratories, Mayo Clinic
Classification: Benign. Last evaluated: 2022-04-26. Review status: criteria provided, single submitter. Criteria: ACMG Guidelines, 2015. Collection method: clinical testing. Allele origin: germline. Observed: 915 variant alleles.

Ambry Genetics
Classification: Benign for Cardiovascular phenotype. Last evaluated: 2018-12-04. Review status: criteria provided, single submitter. Criteria: Ambry Variant Classification Scheme 2023. Collection method: clinical testing. Allele origin: germline.

GeneDx
Classification: Benign. Last evaluated: 2016-09-09. Review status: criteria provided, single submitter. Criteria: GeneDx Variant Classification (06012015). Collection method: clinical testing. Allele origin: germline. Affected: yes.
Comment: This variant is considered likely benign or benign based on one or more of the following criteria: it is a conservative change, it occurs at a poorly conserved position in the protein, it is predicted to be benign by multiple in silico algorithms, and/or has population frequency not consistent with disease.

Breakthrough Genomics
Classification: Benign. Review status: criteria provided, single submitter. Criteria: ACMG Guidelines, 2015. Collection method: not provided. Allele origin: germline. Inheritance: Autosomal recessive inheritance. Affected: yes.

PreventionGenetics, part of Exact Sciences
Classification: Benign for ALPK3-related condition. Last evaluated: 2019-07-15. Review status: no assertion criteria provided. Collection method: clinical testing. Allele origin: germline. Not counted in ClinVar's aggregate classification.
Comment: This variant is classified as benign based on ACMG/AMP sequence variant interpretation guidelines (Richards et al. 2015 PMID: 25741868, with internal and published modifications).

Clinical Genetics DNA and cytogenetics Diagnostics Lab, Erasmus MC, Erasmus Medical Center
Classification: Benign. Review status: no assertion criteria provided. Collection method: clinical testing. Allele origin: germline. Affected: yes. Study: VKGL Data-share Consensus. Not counted in ClinVar's aggregate classification.

Clinical Genetics, Academic Medical Center
Classification: Benign. Review status: no assertion criteria provided. Collection method: clinical testing. Allele origin: germline. Affected: yes. Study: VKGL Data-share Consensus. Not counted in ClinVar's aggregate classification.

NM_020778.5(ALPK3):c.3450T>C (p.Gly1150=)

Gene: ALPK3 (alpha kinase 3; plus strand). Cytogenetic location: 15q25.3.
Variant type: single nucleotide variant.
Coding change: c.3450T>C on transcript NM_020778.5 (MANE Select); coding-DNA position 3450, T replaced by C.
Protein change: p.Gly1150=; no amino-acid change (glycine 1150 retained).
Molecular consequence: synonymous variant.
Genome position (GRCh38, 1-based): chr15:84,858,188, T>C. VCF-style: chr15-84858188-T-C. GRCh37 (hg19) VCF-style: chr15-85401419-T-C.
Other names: p.Gly1352=.
Identifiers: ClinVar variation 384674 (VCV000384674.20), dbSNP rs167379, ClinGen allele CA7709631.